The following is an entry in ClinVar:

ClinVar aggregate classification (germline): Likely pathogenic (1 of 4 stars; one submission).

Allele frequency attached by ClinVar (database versions not stated): gnomAD exomes 0.00001; ExAC 0.00001.

Submission:

GeneDx
Classification: Likely pathogenic. Last evaluated: 2016-12-08. Review status: criteria provided, single submitter. Criteria: GeneDx Variant Classification (06012015). Collection method: clinical testing. Allele origin: germline. Affected: yes.
Comment: The c.536_545dup10 variant in the METTL23 gene has not been reported previously as a pathogenic variant nor as a benign variant, to our knowledge. The c.536_545dup10 variant causes a frameshift starting with codon Isoleucine 183, changes this amino acid to an Asparagine residue, and creates a premature Stop codon at position 57 of the new reading frame, denoted p.Ile183AsnfsX57. This variant is predicted to cause loss of normal protein function through protein truncation. The c.536_545dup10 variant was not observed in approximately 6000 individuals of European and African American ancestry in the NHLBI Exome Sequencing Project, indicating it is not a common benign variant in these populations. We interpret c.536_545dup10 as a likely pathogenic variant.

NM_001080510.5(METTL23):c.536_545dup (p.Ile183fs)

Gene: METTL23 (methyltransferase 23, arginine; plus strand). Cytogenetic location: 17q25.1.
Variant type: Duplication.
Coding change: c.536_545dup on transcript NM_001080510.5 (MANE Select); coding-DNA positions 536 to 545, 10 bases duplicated (AAATGCTGGT; older notation c.536_545dupAAATGCTGGT).
Protein change: p.Ile183fs; shifts the reading frame from isoleucine 183.
Molecular consequence: frameshift variant. On other transcripts: non-coding transcript variant (1).
Genome position (GRCh38, 1-based): chr17:76,733,649-76,733,658, AAATGCTGGT duplicated. VCF-style (leftmost placement, unchanged base first): chr17-76733648-G-GAAATGCTGGT. GRCh37 (hg19) VCF-style: chr17-74729730-G-GAAATGCTGGT.
Other names: c.536_545dup, p.Ile183fs (NM_001206983.3, NM_001206984.3, NM_001302703.2 and 2 more transcripts); c.335_344dup, p.Ile116fs (NM_001206985.3, NM_001206986.3, NM_001206987.3 and 2 more transcripts); c.524_533dup, p.Ile179fs (NM_001302705.2, NM_001378350.1, NM_001378351.1 and 2 more transcripts); c.536_545dupAAATGCTGGT (NM_001080510.4); short protein forms I179fs, I116fs, I183fs.
Identifiers: ClinVar variation 373407 (VCV000373407.1), dbSNP rs757197161, ClinGen allele CA8790236.